The following is an entry in ClinVar:

NM_002294.3(LAMP2):c.467T>G (p.Leu156Ter)

Gene: LAMP2 (lysosome associated membrane protein 2; minus strand). Cytogenetic location: Xq24.
Variant type: single nucleotide variant.
Coding change: c.467T>G on transcript NM_002294.3 (MANE Select); coding-DNA position 467, T replaced by G.
Protein change: p.Leu156Ter; replaces leucine 156 with a stop codon.
Molecular consequence: nonsense.
Genome position (GRCh38, 1-based): chrX:120,449,059, A>C on the plus strand (T>G on the coding strand, the complement: LAMP2 is on the minus strand). VCF-style: chrX-120449059-A-C. GRCh37 (hg19) VCF-style: chrX-119582914-A-C.
Other names: c.467T>G, p.Leu156Ter (NM_001122606.1, NM_013995.2); short protein forms L156*.
Identifiers: ClinVar variation 1323203 (VCV001323203.9), dbSNP rs1385890053, ClinGen allele CA414402156.

ClinVar aggregate classification (germline): Pathogenic (1 of 4 stars; one submission).

Conditions:
Danon disease. Also called: Glycogen Storage Disease Type IIb; PSEUDOGLYCOGENOSIS II; ANTOPOL DISEASE; GSD IIb; LYSOSOMAL GLYCOGEN STORAGE DISEASE WITHOUT ACID MALTASE DEFICIENCY. Identifiers: Orphanet 34587, MedGen C0878677, MONDO:0010281, OMIM 300257.

Submission:

Labcorp Genetics (formerly Invitae), Labcorp
Classification: Pathogenic for Danon disease. Last evaluated: 2021-05-21. Review status: criteria provided, single submitter. Criteria: Invitae Variant Classification Sherloc (09022015). Collection method: clinical testing. Allele origin: germline.
Comment: For these reasons, this variant has been classified as Pathogenic. This variant has been observed in individual(s) with Danon disease (PMID: 16144992). This variant is not present in population databases (ExAC no frequency). This sequence change creates a premature translational stop signal (p.Leu156*) in the LAMP2 gene. It is expected to result in an absent or disrupted protein product. Loss-of-function variants in LAMP2 are known to be pathogenic (PMID: 21415759).

Literature cited by the submitters: PubMed 16144992; PubMed 21415759.